The following is an entry in ClinVar:

ClinVar aggregate classification (germline): Pathogenic. Review status: reviewed by expert panel (3 of 4 stars). 2 submissions from 2 submitters: Pathogenic (1). 1 of the submissions does not count toward it. Last evaluated 2016-10-18.

Conditions:
Breast-ovarian cancer, familial, susceptibility to, 2 (BROVCA2). Also called: BRCA2 Hereditary Breast and Ovarian Cancer. Identifiers: Orphanet 145, MedGen C2675520, MONDO:0012933, OMIM 612555. Disease mechanism: loss of function.

Submissions (2):

Evidence-based Network for the Interpretation of Germline Mutant Alleles (ENIGMA)
Classification: Pathogenic for Breast-ovarian cancer, familial, susceptibility to, 2. Last evaluated: 2016-10-18. Review status: reviewed by expert panel. Criteria: ENIGMA BRCA1/2 Classification Criteria (2015). Collection method: curation. Allele origin: germline.
Comment: Variant allele predicted to encode a truncated non-functional protein.

Consortium of Investigators of Modifiers of BRCA1/2 (CIMBA), c/o University of Cambridge
Classification: Pathogenic for Breast-ovarian cancer, familial, susceptibility to, 2. Last evaluated: 2015-10-02. Review status: criteria provided, single submitter. Criteria: CIMBA Mutation Classification guidelines May 2016. Collection method: clinical testing. Allele origin: germline. Not counted in ClinVar's aggregate classification.

NM_000059.4(BRCA2):c.3829_3830del (p.Asn1277fs)

Gene: BRCA2 (BRCA2 DNA repair associated; plus strand). Cytogenetic location: 13q13.1.
Variant type: Deletion.
Coding change: c.3829_3830del on transcript NM_000059.4 (MANE Select); coding-DNA positions 3829 to 3830, 2 bases deleted (AA; older notation c.3829_3830delAA).
Protein change: p.Asn1277fs; shifts the reading frame from asparagine 1277.
Molecular consequence: frameshift variant.
Genome position (GRCh38, 1-based): chr13:32,338,184-32,338,185, AA deleted; deleting any 2 consecutive bases within chr13:32,338,182-32,338,185 gives the same sequence; the c. name uses the placement nearest the transcript's 3' end. VCF-style (leftmost placement, unchanged base first): chr13-32338181-GAA-G. GRCh37 (hg19) VCF-style: chr13-32912318-GAA-G.
Other names: 4055delAA; short protein forms N1277fs.
Identifiers: ClinVar variation 266776 (VCV000266776.5), dbSNP rs397507689, ClinGen allele CA10589226.